The following is an entry in ClinVar:

ClinVar aggregate classification (germline): Conflicting classifications of pathogenicity. Review status: criteria provided, conflicting classifications (1 of 4 stars). 7 submissions from 7 submitters: Uncertain significance (4); Likely benign (2). 1 of the submissions does not count toward it. Last evaluated 2026-02-01.

Conditions:
Inborn genetic diseases. Identifiers: MedGen C0950123, MeSH D030342.
CACNA1D-related disorder.

Allele frequency attached by ClinVar (database versions not stated): ESP Exome Variant Server 0.00015; gnomAD 0.00018 and 0.00019; ExAC 0.00022; gnomAD exomes 0.00023 and 0.00034; TOPMed 0.00024.
gnomAD v4.1: 534 of 1,613,750 alleles (0.033%); highest among the groups gnomAD compares: Non-Finnish European, 0.038%; no homozygotes.

Submissions (7):

Labcorp Genetics (formerly Invitae), Labcorp
Classification: Likely benign. Last evaluated: 2026-02-01. Review status: criteria provided, single submitter. Criteria: Invitae Variant Classification Sherloc (09022015). Collection method: clinical testing. Allele origin: germline.

Mayo Clinic Laboratories, Mayo Clinic
Classification: Uncertain significance. Last evaluated: 2024-11-26. Review status: criteria provided, single submitter. Criteria: ACMG Guidelines, 2015. Collection method: clinical testing. Allele origin: germline. Observed: 2 variant alleles.
Comment: PM2_supporting

Clinical Genomics Laboratory, Stanford Medicine
Classification: Uncertain significance. Last evaluated: 2022-12-05. Review status: criteria provided, single submitter. Criteria: ACMG Guidelines, 2015. Collection method: clinical testing. Allele origin: germline. Observed: 1 variant allele, 1 heterozygote.
Comment: The p.Ser1294Phe variant in the CACNA1D gene has not been previously reported in association with disease. This variant has been identified in 36/129196 European Non-Finnish chromosomes (63/282888 chromosomes overall) by the Genome Aggregation Database. This variant is present in ClinVar (Variation ID: 228465). The CACNA1D gene has fewer missense variants in the general population than expected. A low rate of missense variation may suggest that this gene is intolerant to missense variation. Computational tools predict that this variant is deleterious; however, the accuracy of in silico algorithms is limited. These data were assessed using the ACMG/AMP variant interpretation guidelines. In summary, the significance of the p.Ser1294Phe variant is uncertain. Additional information is needed to resolve the significance of this variant. [ACMG evidence codes used: PP2; PP3]

GeneDx
Classification: Likely benign. Last evaluated: 2021-06-04. Review status: criteria provided, single submitter. Criteria: GeneDx Variant Classification Process June 2021. Collection method: clinical testing. Allele origin: germline. Affected: yes.

Ambry Genetics
Classification: Uncertain significance for Inborn genetic diseases. Last evaluated: 2021-03-19. Review status: criteria provided, single submitter. Criteria: Ambry Variant Classification Scheme 2023. Collection method: clinical testing. Allele origin: germline.
Comment: The c.3881C>T (p.S1294F) alteration is located in exon 31 (coding exon 31) of the CACNA1D gene. This alteration results from a C to T substitution at nucleotide position 3881, causing the serine (S) at amino acid position 1294 to be replaced by a phenylalanine (F). The in silico prediction for the p.S1294F alteration is inconclusive. Based on insufficient or conflicting evidence, the clinical significance of this alteration remains unclear.

Laboratory for Molecular Medicine, Mass General Brigham Personalized Medicine
Classification: Uncertain significance. Last evaluated: 2016-11-01. Review status: criteria provided, single submitter. Criteria: LMM Criteria. Collection method: clinical testing. Allele origin: germline. Observed: 2 variant alleles.
Comment: Variant classified as Uncertain Significance - Favor Benign. This variant was identified in 16/66738 European chromosomes by the Exome Aggregation Consort ium (ExAC; dbSNP rs200382504); however, this fre quency in the general population is not high enough to rule out a pathogenic rol e. Computational prediction tools and conservation analyses suggest that this va riant may not impact the protein, though this information is not predictive enou gh to rule out pathogenicity. In summary, while the clinical significance of the p.Ser1294Phe variant is uncertain, these data suggest that it is more likely to be benign.

PreventionGenetics, part of Exact Sciences
Classification: Likely benign for CACNA1D-related condition. Last evaluated: 2022-01-24. Review status: no assertion criteria provided. Collection method: clinical testing. Allele origin: germline. Not counted in ClinVar's aggregate classification.
Comment: This variant is classified as likely benign based on ACMG/AMP sequence variant interpretation guidelines (Richards et al. 2015 PMID: 25741868, with internal and published modifications).

NM_001128840.3(CACNA1D):c.3821C>T (p.Ser1274Phe)

Gene: CACNA1D (calcium voltage-gated channel subunit alpha1 D; plus strand). Cytogenetic location: 3p21.1.
Variant type: single nucleotide variant.
Coding change: c.3821C>T on transcript NM_001128840.3 (MANE Select); coding-DNA position 3821, C replaced by T.
Protein change: p.Ser1274Phe; replaces serine 1274 with phenylalanine.
Molecular consequence: missense variant.
Genome position (GRCh38, 1-based): chr3:53,762,032, C>T. VCF-style: chr3-53762032-C-T. GRCh37 (hg19) VCF-style: chr3-53796059-C-T.
Other names: c.3881C>T, p.Ser1294Phe (NM_000720.4); c.3821C>T, p.Ser1274Phe (NM_001128839.3); c.3881C>T (NM_000720.3); short protein forms S1294F, S1274F.
Identifiers: ClinVar variation 228465 (VCV000228465.17), dbSNP rs200382504, ClinGen allele CA2454695.